The following is an entry in ClinVar:

NM_139318.5(KCNH5):c.2371G>C (p.Asp791His)

Gene: KCNH5 (potassium voltage-gated channel subfamily H member 5; minus strand). Cytogenetic location: 14q23.2.
Variant type: single nucleotide variant.
Coding change: c.2371G>C on transcript NM_139318.5 (MANE Select); coding-DNA position 2371, G replaced by C.
Protein change: p.Asp791His; replaces aspartic acid 791 with histidine.
Molecular consequence: missense variant. On other transcripts: 3 prime UTR variant (1).
Genome position (GRCh38, 1-based): chr14:62,708,104, C>G on the plus strand (G>C on the coding strand, the complement: KCNH5 is on the minus strand). VCF-style: chr14-62708104-C-G. GRCh37 (hg19) VCF-style: chr14-63174822-C-G.
Other names: c.*338G>C (NM_172375.3); short protein forms D791H.
Identifiers: ClinVar variation 1404957 (VCV001404957.9), dbSNP rs1259994686, ClinGen allele CA390100765.

ClinVar aggregate classification (germline): Uncertain significance (1 of 4 stars; one submission).

Conditions:
Early-infantile DEE. Also called: Early infantile epileptic encephalopathy; Ohtahara syndrome; Early infantile epileptic encephalopathy with suppression bursts. Identifiers: Orphanet 1934, MedGen C0393706, MONDO:0800491.

Allele frequency attached by ClinVar (database versions not stated): gnomAD exomes below 0.00001; gnomAD 0.00001.
gnomAD v4.1: 3 of 1,614,052 alleles (0.00019%); highest among the groups gnomAD compares: African/African-American, 0.0027%; no homozygotes.

Submission:

Labcorp Genetics (formerly Invitae), Labcorp
Classification: Uncertain significance for Early-infantile DEE. Last evaluated: 2023-08-07. Review status: criteria provided, single submitter. Criteria: Invitae Variant Classification Sherloc (09022015). Collection method: clinical testing. Allele origin: germline.
Comment: ClinVar contains an entry for this variant (Variation ID: 1404957). In summary, the available evidence is currently insufficient to determine the role of this variant in disease. Therefore, it has been classified as a Variant of Uncertain Significance. Advanced modeling of protein sequence and biophysical properties (such as structural, functional, and spatial information, amino acid conservation, physicochemical variation, residue mobility, and thermodynamic stability) performed at Invitae indicates that this missense variant is not expected to disrupt KCNH5 protein function. This variant has not been reported in the literature in individuals affected with KCNH5-related conditions. This variant is present in population databases (no rsID available, gnomAD no frequency). This sequence change replaces aspartic acid, which is acidic and polar, with histidine, which is basic and polar, at codon 791 of the KCNH5 protein (p.Asp791His).